The following is an entry in ClinVar:

ClinVar aggregate classification (germline): Uncertain significance (1 of 4 stars; one submission).

Conditions:
Inborn genetic diseases. Identifiers: MedGen C0950123, MeSH D030342.

Submission:

Ambry Genetics
Classification: Uncertain significance for Inborn genetic diseases. Last evaluated: 2025-03-24. Review status: criteria provided, single submitter. Criteria: Ambry Variant Classification Scheme 2023. Collection method: clinical testing. Allele origin: germline.
Comment: The p.V699A variant (also known as c.2096T>C), located in coding exon 18 of the KDM1A gene, results from a T to C substitution at nucleotide position 2096. The valine at codon 699 is replaced by alanine, an amino acid with similar properties. This amino acid position is conserved. In addition, this alteration is predicted to be deleterious by in silico analysis. Based on the available evidence, the clinical significance of this variant remains unclear.

NM_001009999.3(KDM1A):c.2096T>C (p.Val699Ala)

Gene: KDM1A (lysine demethylase 1A; plus strand). Cytogenetic location: 1p36.12.
Variant type: single nucleotide variant.
Coding change: c.2096T>C on transcript NM_001009999.3 (MANE Select); coding-DNA position 2096, T replaced by C.
Protein change: p.Val699Ala; replaces valine 699 with alanine.
Molecular consequence: missense variant.
Genome position (GRCh38, 1-based): chr1:23,079,593, T>C. VCF-style: chr1-23079593-T-C. GRCh37 (hg19) VCF-style: chr1-23406086-T-C.
Other names: c.2042T>C, p.Val681Ala (NM_001363654.2); c.2102T>C, p.Val701Ala (NM_001410762.1); c.2024T>C, p.Val675Ala (NM_001410763.1, NM_015013.4); short protein forms V701A, V675A, V681A, V699A.
Identifiers: ClinVar variation 4042056 (VCV004042056.1).